The following is an entry in ClinVar:

NM_004006.3(DMD):c.9361+138T>C

Gene: DMD (dystrophin; minus strand). Cytogenetic location: Xp21.2.
Variant type: single nucleotide variant.
Coding change: c.9361+138T>C on transcript NM_004006.3 (MANE Select); 138 bases into the intron after coding-DNA position 9361, T replaced by C.
Molecular consequence: intron variant.
Genome position (GRCh38, 1-based): chrX:31,222,909, A>G on the plus strand (T>C on the coding strand, the complement: DMD is on the minus strand). VCF-style: chrX-31222909-A-G. GRCh37 (hg19) VCF-style: chrX-31241026-A-G.
Other names: c.9337+138T>C (NM_000109.4); c.5338+138T>C (NM_004011.4); c.5329+138T>C (NM_004012.4); c.1981+138T>C (NM_004023.3, NM_004020.4, NM_004022.3 and 2 more transcripts); c.1174+138T>C (NM_004014.3); c.157+138T>C (NM_004018.3, NM_004017.3, NM_004016.3 and 2 more transcripts); c.9349+138T>C (NM_004009.3); c.8992+138T>C (NM_004010.3).
Identifiers: ClinVar variation 672560 (VCV000672560.2), dbSNP rs10127360, ClinGen allele CA328409352.

ClinVar aggregate classification (germline): Benign. Review status: criteria provided, single submitter (1 of 4 stars). 2 submissions from 2 submitters: Benign (1). 1 of the submissions does not count toward it. Last evaluated 2018-06-14.

Conditions:
Duchenne muscular dystrophy (DMD). Also called: MUSCULAR DYSTROPHY, PSEUDOHYPERTROPHIC PROGRESSIVE, DUCHENNE TYPE; Duchenne Muscular Dystrophy (DMD). Identifiers: Orphanet 98896, MedGen C0013264, MONDO:0010679, OMIM 310200.
Dystrophin deficiency.
Becker muscular dystrophy (BMD). Also called: MUSCULAR DYSTROPHY, PSEUDOHYPERTROPHIC PROGRESSIVE, BECKER TYPE; Becker Muscular Dystrophy (BMD). Identifiers: Orphanet 98895, MedGen C0917713, MONDO:0010311, OMIM 300376.
Cardiomyopathy (CMYO). Also called: Cardiomyopathies. Identifiers: Orphanet 167848, MedGen C0878544, MONDO:0004994, HP:0001638. Inheritance: Various modes of inheritance.

Allele frequency attached by ClinVar (database versions not stated): gnomAD 0.50864 and 0.51217; TOPMed 0.54210; 1000 Genomes Project 0.58808; 1000 Genomes Project 30x 0.59126.
gnomAD v4.1: 226,013 of 550,341 alleles (41%); highest among the groups gnomAD compares: African/African-American, 90%; 37,083 homozygotes.

Submissions (2):

GeneDx
Classification: Benign. Last evaluated: 2018-06-14. Review status: criteria provided, single submitter. Criteria: GeneDx Variant Classification (06012015). Collection method: clinical testing. Allele origin: germline. Affected: yes.
Comment: This variant is considered likely benign or benign based on one or more of the following criteria: it is a conservative change, it occurs at a poorly conserved position in the protein, it is predicted to be benign by multiple in silico algorithms, and/or has population frequency not consistent with disease.

Natera, Inc.
Classification: Benign for Becker muscular dystrophy; Cardiomyopathy; Duchenne muscular dystrophy; Dystrophin deficiency. Last evaluated: 2017-08-09. Review status: no assertion criteria provided. Collection method: clinical testing. Allele origin: germline. Not counted in ClinVar's aggregate classification.